The following is an entry in ClinVar:

ClinVar aggregate classification (germline): Uncertain significance (1 of 4 stars; one submission).

Conditions:
CCDC88C-related disorder. Also called: CCDC88C-related condition; CCDC88C-Related Disorders.

Submission:

PreventionGenetics, part of Exact Sciences
Classification: Uncertain significance for CCDC88C-related condition. Last evaluated: 2025-10-22. Review status: criteria provided, single submitter. Criteria: ACMG Guidelines, 2015. Collection method: clinical testing. Allele origin: germline.
Comment: The CCDC88C c.1433C>T variant is predicted to result in the amino acid substitution p.Thr478Ile. To our knowledge, this variant has not been reported in the literature or in a large population database (gnomAD), indicating this variant is rare. At this time, the clinical significance of this variant is uncertain due to the absence of conclusive functional and genetic evidence.

NM_001080414.4(CCDC88C):c.1433C>T (p.Thr478Ile)

Gene: CCDC88C (coiled-coil and HOOK domain protein 88C; minus strand). Cytogenetic location: 14q32.11.
Variant type: single nucleotide variant.
Coding change: c.1433C>T on transcript NM_001080414.4 (MANE Select); coding-DNA position 1433, C replaced by T.
Protein change: p.Thr478Ile; replaces threonine 478 with isoleucine.
Molecular consequence: missense variant. On other transcripts: non-coding transcript variant (2).
Genome position (GRCh38, 1-based): chr14:91,321,214, G>A on the plus strand (C>T on the coding strand, the complement: CCDC88C is on the minus strand). VCF-style: chr14-91321214-G-A. GRCh37 (hg19) VCF-style: chr14-91787558-G-A.
Other names: short protein forms T478I.
Identifiers: ClinVar variation 4994660 (VCV004994660.1).